The following is an entry in ClinVar:

NM_001080.3(ALDH5A1):c.727-3298G>A

Gene: ALDH5A1 (aldehyde dehydrogenase 5 family member A1; plus strand). Cytogenetic location: 6p22.3.
Variant type: single nucleotide variant.
Coding change: c.727-3298G>A on transcript NM_001080.3 (MANE Select); 3298 bases into the intron before coding-DNA position 727, G replaced by A.
Molecular consequence: intron variant. On other transcripts: splice donor variant (1).
Genome position (GRCh38, 1-based): chr6:24,511,869, G>A. VCF-style: chr6-24511869-G-A. GRCh37 (hg19) VCF-style: chr6-24512097-G-A.
Other names: IVS5, G-A, +1; c.765+1G>A (NM_170740.1); c.726+6884G>A (NM_001368954.1).
Identifiers: ClinVar variation 1356 (VCV000001356.5), dbSNP rs1561872640, ClinGen allele CA362970631.

ClinVar aggregate classification (germline): Pathogenic. Review status: criteria provided, single submitter (1 of 4 stars). 2 submissions from 2 submitters: Pathogenic (1). 1 of the submissions does not count toward it. Last evaluated 2021-03-08.

Conditions:
Succinate-semialdehyde dehydrogenase deficiency (SSADHD). Also called: 4-HYDROXYBUTYRIC ACIDURIA; SSADH DEFICIENCY; Succinic Semialdehyde Dehydrogenase Deficiency; GABA METABOLIC DEFECT. Identifiers: Orphanet 22, MedGen C0268631, MONDO:0010083, OMIM 271980.

Submissions (2):

Elsea Laboratory, Baylor College of Medicine
Classification: Pathogenic for Succinate-semialdehyde dehydrogenase deficiency. Last evaluated: 2021-03-08. Review status: criteria provided, single submitter. Criteria: Martin et al. (J Child Neurol. 2021). Collection method: curation. Allele origin: germline. Affected: yes.
Comment: Splicing, alternative transcript c.726+1G>A; IVS5+1G>A

OMIM
Classification: Pathogenic for SUCCINIC SEMIALDEHYDE DEHYDROGENASE DEFICIENCY. Last evaluated: 1998-08-01. Review status: no assertion criteria provided. Collection method: literature only. Allele origin: germline. Not counted in ClinVar's aggregate classification.

Literature cited by the submitters: PubMed 9683595 (cited by Elsea Laboratory, Baylor College of Medicine and OMIM); PubMed 14635103 (cited by Elsea Laboratory, Baylor College of Medicine).